The following is an entry in ClinVar:

NM_176787.5(PIGN):c.469T>C (p.Tyr157His)

Gene: PIGN (phosphatidylinositol glycan anchor biosynthesis class N; minus strand). Cytogenetic location: 18q21.33.
Variant type: single nucleotide variant.
Coding change: c.469T>C on transcript NM_176787.5 (MANE Select); coding-DNA position 469, T replaced by C.
Protein change: p.Tyr157His; replaces tyrosine 157 with histidine.
Molecular consequence: missense variant.
Genome position (GRCh38, 1-based): chr18:62,154,625, A>G on the plus strand (T>C on the coding strand, the complement: PIGN is on the minus strand). VCF-style: chr18-62154625-A-G. GRCh37 (hg19) VCF-style: chr18-59821858-A-G.
Other names: c.469T>C, p.Tyr157His (NM_012327.6); short protein forms Y157H.
Identifiers: ClinVar variation 472232 (VCV000472232.10), dbSNP rs1555696260, ClinGen allele CA402602884.
Genomic context (GRCh38, chr18:62,154,625, plus strand): 5'-ACGTATCCAGTTTTGTTGCATCTTGAGCACCAAAATCCTCTCTTTTAGCATCATAACTAT[A>G]TGTATAAACGTGGTCTCCACTAGCACCTGAAAAGAAAATTTGGAAAAAATAATCTTTTTA-3'
Protein context (NP_789744.1, residues 147-167): KGASGDHVYT[Tyr157His]SYDAKREDFG

ClinVar aggregate classification (germline): Uncertain significance (1 of 4 stars; one submission).

Conditions:
Multiple congenital anomalies-hypotonia-seizures syndrome 1 (MCAHS1). Also called: GLYCOSYLPHOSPHATIDYLINOSITOL BIOSYNTHESIS DEFECT 3; PIGN-CDG; Congenital disorder of glycosylation due to PIGN deficiency. Identifiers: Orphanet 280633, MedGen C3279775, MONDO:0013563, OMIM 614080.

Submission:

Labcorp Genetics (formerly Invitae), Labcorp
Classification: Uncertain significance for Multiple congenital anomalies-hypotonia-seizures syndrome 1. Last evaluated: 2020-01-27. Review status: criteria provided, single submitter. Criteria: Invitae Variant Classification Sherloc (09022015). Collection method: clinical testing. Allele origin: germline.
Comment: In summary, the available evidence is currently insufficient to determine the role of this variant in disease. Therefore, it has been classified as a Variant of Uncertain Significance. Algorithms developed to predict the effect of missense changes on protein structure and function output the following: SIFT: "Tolerated"; PolyPhen-2: "Benign"; Align-GVGD: "Class C0". The histidine amino acid residue is found in multiple mammalian species, suggesting that this missense change does not adversely affect protein function. These predictions have not been confirmed by published functional studies and their clinical significance is uncertain. This variant has not been reported in the literature in individuals with PIGN-related disease. This variant is not present in population databases (ExAC no frequency). This sequence change replaces tyrosine with histidine at codon 157 of the PIGN protein (p.Tyr157His). The tyrosine residue is moderately conserved and there is a moderate physicochemical difference between tyrosine and histidine.